The following is an entry in ClinVar:

ClinVar aggregate classification (germline): Uncertain significance (1 of 4 stars; one submission).

Conditions:
Distal myopathy with posterior leg and anterior hand involvement. Also called: WILLIAMS DISTAL MYOPATHY. Identifiers: Orphanet 63273, MedGen C3279722, MONDO:0013550, OMIM 614065.

Submission:

Victorian Clinical Genetics Services, Murdoch Childrens Research Institute
Classification: Uncertain significance for Distal myopathy with posterior leg and anterior hand involvement. Last evaluated: 2023-07-16. Review status: criteria provided, single submitter. Criteria: ACMG Guidelines, 2015. Collection method: clinical testing. Allele origin: germline. Inheritance: Autosomal dominant inheritance. Affected: yes.
Comment: Based on the classification scheme VCGS_Germline_v1.3.4, this variant is classified as VUS-3B. Following criteria are met: 0103 - Loss of function and gain of function are known mechanisms of disease in this gene. Loss of function is the established mechanism of disease for variants in dilated cardiomyopathy, hypertrophic cardiomyopathy, restrictive cardiomyopathy (MIM#617047) and myofibrillar myopathy (MIM#609524), and recently has been associated with arrhythmogenic right ventricular cardiomyopathy (ARVC; PMID: 31627847). In distal myopathy (MIM#614065), NMD-predicted variants cause a loss of function, however missense variants have been shown to result in a toxic gain of function (PMID: 32112656). (I) 0107 - This gene is associated with autosomal dominant disease. Variants located throughout the gene that are predicted to result in nonsense-mediated decay (NMD) are enriched in dilated cardiomyopathy, whereas missense variants in the ROD2 domain are enriched in hypertrophic cardiomyopathy and restrictive cardiomyopathy (MIM#617047). Additionally, myofibrillar myopathy (MIM#609524) is known to result from either missense variants in the ROD2 domain or truncating variants in the Ig-like domain 24, while missense variants in the actin-binding domain and NMD-predicted variants located in the Ig-like domain 15 and have been reported for distal myopathy (MIM#614065) (PMID: 32112656). 0213 - In-frame deletion in a non-repetitive region that has high conservation. (SP) 0251 - This variant is heterozygous. (I) 0301 - Variant is absent from gnomAD (both v2 and v3). (SP) 0600 - Variant is located in the annotated Filamin 5 domain (DECIPHER). (I) 0705 - No comparable in-frame deletions or missense variants have previous evidence for pathogenicity. (I) 0807 - This variant has no previous evidence of pathogenicity. (I) 0905 - No published segregation evidence has been identified for this variant. (I) 1007 - No published functional evidence has been identified for this variant. (I) 1208 - Inheritance information for this variant is not currently available in this individual. (I) Legend: (SP) - Supporting pathogenic, (I) - Information, (SB) - Supporting benign

Literature cited by the submitters: PubMed 31627847; PubMed 32112656.

NM_001458.5(FLNC):c.2011_2013dup (p.Lys671_Ala672insLys)

Gene: FLNC (filamin C; plus strand). Cytogenetic location: 7q32.1.
Variant type: Duplication.
Coding change: c.2011_2013dup on transcript NM_001458.5 (MANE Select); coding-DNA positions 2011 to 2013, 3 bases duplicated (AAG; older notation c.2011_2013dupAAG).
Protein change: p.Lys671_Ala672insLys.
Molecular consequence: inframe insertion. On other transcripts: inframe indel (1).
Genome position (GRCh38, 1-based): chr7:128,841,457-128,841,459, AAG duplicated; duplicating any 3 consecutive bases within chr7:128,841,456-128,841,459 gives the same sequence; the c. name uses the placement nearest the transcript's 3' end. VCF-style (leftmost placement, unchanged base first): chr7-128841455-T-TGAA. GRCh37 (hg19) VCF-style: chr7-128481509-T-TGAA.
Other names: c.2011_2013dup, p.Lys671_Ala672insLys (NM_001127487.2); c.2011_2013dupAAG (NM_001458.4).
Identifiers: ClinVar variation 3255141 (VCV003255141.1), dbSNP rs2536628858.